The following is an entry in ClinVar:

ClinVar aggregate classification (germline): Benign/Likely benign. Review status: criteria provided, multiple submitters, no conflicts (2 of 4 stars). 3 submissions from 3 submitters: Benign (1); Likely benign (2). Last evaluated 2025-07-14.

Conditions:
Hereditary cancer-predisposing syndrome. Also called: Tumor predisposition; Hereditary neoplastic syndrome; Neoplastic Syndromes, Hereditary; Hereditary Cancer Syndrome. Identifiers: Orphanet 140162, MedGen C0027672, MeSH D009386, MONDO:0015356.
Tuberous sclerosis 1 (TSC1). Identifiers: Orphanet 805, MedGen C1854465, MONDO:0008612, OMIM 191100.

Allele frequency attached by ClinVar (database versions not stated): TOPMed below 0.00001.

Submissions (3):

Labcorp Genetics (formerly Invitae), Labcorp
Classification: Likely benign for Tuberous sclerosis 1. Last evaluated: 2025-07-14. Review status: criteria provided, single submitter. Criteria: Invitae Variant Classification Sherloc (09022015). Collection method: clinical testing. Allele origin: germline.

Myriad Genetics, Inc.
Classification: Benign for Tuberous sclerosis 1. Last evaluated: 2025-04-29. Review status: criteria provided, single submitter. Criteria: Myriad Autosomal Dominant, Autosomal Recessive and X-Linked Classification Criteria (2023). Collection method: clinical testing. Allele origin: unknown.
Comment: This variant is considered benign. This variant is a silent/synonymous amino acid change and it is not expected to impact splicing.

Ambry Genetics
Classification: Likely benign for Hereditary cancer-predisposing syndrome. Last evaluated: 2021-11-01. Review status: criteria provided, single submitter. Criteria: Ambry Variant Classification Scheme 2023. Collection method: clinical testing. Allele origin: germline.

NM_000368.5(TSC1):c.2718A>G (p.Gln906=)

Gene: TSC1 (TSC complex subunit 1; minus strand). Cytogenetic location: 9q34.13.
Variant type: single nucleotide variant.
Coding change: c.2718A>G on transcript NM_000368.5 (MANE Select); coding-DNA position 2718, A replaced by G.
Protein change: p.Gln906=; no amino-acid change (glutamine 906 retained).
Molecular consequence: synonymous variant.
Genome position (GRCh38, 1-based): chr9:132,897,518, T>C on the plus strand (A>G on the coding strand, the complement: TSC1 is on the minus strand). VCF-style: chr9-132897518-T-C. GRCh37 (hg19) VCF-style: chr9-135772905-T-C.
Other names: c.2715A>G, p.Gln905= (NM_001162426.2); c.2565A>G, p.Gln855= (NM_001162427.2); c.2355A>G, p.Gln785= (NM_001362177.2).
Identifiers: ClinVar variation 1495937 (VCV001495937.11), dbSNP rs1845144230, ClinGen allele CA467812830.
Genomic context (GRCh38, chr9:132,897,518, plus strand): 5'-CTGTTCCAAAAGAAGGTGGTCTTTCTTGGCCAGGTGAGATTCCAGTTCCAAAATCCGTTT[T>C]TGGGAGGTATCAAGCCTCTGAGTCTGCTGGAGAACATGGCTTCTGTTTTTTTCTAGCTCT-3'
Protein context (NP_000359.1, residues 896-916): LQQTQRLDTS[Gln906=]KRILELESHL